The following is an entry in ClinVar:

NM_057176.3(BSND):c.325C>T (p.Gln109Ter)

Gene: BSND (barttin CLCNK type accessory subunit beta; plus strand). Cytogenetic location: 1p32.3.
Variant type: single nucleotide variant.
Coding change: c.325C>T on transcript NM_057176.3 (MANE Select); coding-DNA position 325, C replaced by T.
Protein change: p.Gln109Ter; replaces glutamine 109 with a stop codon.
Molecular consequence: nonsense.
Genome position (GRCh38, 1-based): chr1:55,007,049, C>T. VCF-style: chr1-55007049-C-T. GRCh37 (hg19) VCF-style: chr1-55472722-C-T.
Other names: short protein forms Q109*.
Identifiers: ClinVar variation 4816446 (VCV004816446.1).

ClinVar aggregate classification (germline): Likely pathogenic (1 of 4 stars; one submission).

Conditions:
Bartter syndrome. Identifiers: Orphanet 112, MedGen C0004775, MONDO:0015231.

Submission:

Natera, Inc.
Classification: Likely pathogenic for Bartter syndrome. Last evaluated: 2024-07-30. Review status: criteria provided, single submitter. Criteria: Natera Variant Classification Schema (03/2026). Collection method: clinical testing. Allele origin: germline.
Comment: The c.325C>T variant in BSND is a nonsense variant predicted to introduce a stop codon at amino acid 109. This variant is expected to result in nonsense mediated decay, truncation, or a dysfunctional protein product. This variant is rare in the general population with a frequency below the threshold expected for the associated phenotype(s). Given the available evidence, this variant is classified as Likely Pathogenic.